The following is an entry in ClinVar:

ClinVar aggregate classification (germline): Uncertain significance (1 of 4 stars; one submission).

Conditions:
Hereditary pancreatitis (PCTT). Also called: Hereditary chronic pancreatitis; PRSS1-Related Hereditary Pancreatitis. Identifiers: Orphanet 676, MedGen C0238339, MONDO:0008185, OMIM 167800.

Allele frequency attached by ClinVar (database versions not stated): gnomAD 0.00001.
gnomAD v4.1: 1 of 1,614,102 alleles (0.000062%); highest among the groups gnomAD compares: African/African-American, 0.0013%; no homozygotes.

Submission:

Ambry Genetics
Classification: Uncertain significance for Hereditary pancreatitis. Last evaluated: 2023-03-06. Review status: criteria provided, single submitter. Criteria: Ambry Variant Classification Scheme 2023. Collection method: clinical testing. Allele origin: germline.
Comment: The p.F292I variant (also known as c.874T>A), located in coding exon 8 of the CPA1 gene, results from a T to A substitution at nucleotide position 874. The phenylalanine at codon 292 is replaced by isoleucine, an amino acid with highly similar properties. This amino acid position is conserved. In addition, the in silico prediction for this alteration is inconclusive. Since supporting evidence is limited at this time, the clinical significance of this alteration remains unclear.

NM_001868.4(CPA1):c.874T>A (p.Phe292Ile)

Gene: CPA1 (carboxypeptidase A1; plus strand). Cytogenetic location: 7q32.2.
Variant type: single nucleotide variant.
Coding change: c.874T>A on transcript NM_001868.4 (MANE Select); coding-DNA position 874, T replaced by A.
Protein change: p.Phe292Ile; replaces phenylalanine 292 with isoleucine.
Molecular consequence: missense variant.
Genome position (GRCh38, 1-based): chr7:130,385,232, T>A. VCF-style: chr7-130385232-T-A. GRCh37 (hg19) VCF-style: chr7-130025073-T-A.
Other names: short protein forms F292I.
Identifiers: ClinVar variation 2448279 (VCV002448279.2), dbSNP rs1796459603, ClinGen allele CA369283542.
Genomic context (GRCh38, chr7:130,385,232, plus strand): 5'-TCGGAGACTTACCACGGCAAGTTTGCCAATTCCGAAGTGGAGGTCAAGTCCATTGTAGAC[T>A]TTGTGAAGGACCATGGGAACATCAAGGCCTTCATCTCCATCCACAGCTACTCCCAGCTCC-3'
Protein context (NP_001859.1, residues 282-302): SEVEVKSIVD[Phe292Ile]VKDHGNIKAF